The following is an entry in ClinVar:

NM_001040142.2(SCN2A):c.231C>T (p.Pro77=)

Gene: SCN2A (sodium voltage-gated channel alpha subunit 2; plus strand). Cytogenetic location: 2q24.3.
Variant type: single nucleotide variant.
Coding change: c.231C>T on transcript NM_001040142.2 (MANE Select); coding-DNA position 231, C replaced by T.
Protein change: p.Pro77=; no amino-acid change (proline 77 retained).
Molecular consequence: synonymous variant.
Genome position (GRCh38, 1-based): chr2:165,296,054, C>T. VCF-style: chr2-165296054-C-T. GRCh37 (hg19) VCF-style: chr2-166152564-C-T.
Other names: c.231C>T, p.Pro77= (NM_001040143.2, NM_001371246.1, NM_001371247.1 and 1 more transcripts).
Identifiers: ClinVar variation 3251093 (VCV003251093.18), dbSNP rs2467839014.

ClinVar aggregate classification (germline): Likely benign (1 of 4 stars; one submission).

Submission:

CeGaT Center for Human Genetics Tuebingen
Classification: Likely benign. Last evaluated: 2024-06-01. Review status: criteria provided, single submitter. Criteria: CeGaT Center For Human Genetics Tuebingen Variant Classification Criteria Version 2. Collection method: clinical testing. Allele origin: germline. Affected: yes. Observed: 1 variant allele.
Comment: SCN2A: PM2:Supporting, BP4, BP7